The following is an entry in ClinVar:

NM_002242.4(KCNJ13):c.411A>C (p.Leu137Phe)

Genes: GIGYF2 (GRB10 interacting GYF protein 2; plus strand), KCNJ13 (potassium inwardly rectifying channel subfamily J member 13; minus strand). Cytogenetic location: 2q37.1.
Variant type: single nucleotide variant.
Coding change: c.411A>C on transcript NM_002242.4 (MANE Select); coding-DNA position 411, A replaced by C.
Protein change: p.Leu137Phe; replaces leucine 137 with phenylalanine.
Molecular consequence: missense variant. On other transcripts: intron variant (5).
Genome position (GRCh38, 1-based): chr2:232,770,952, T>G on the plus strand (A>C on the coding strand, the complement: KCNJ13 is on the minus strand). VCF-style: chr2-232770952-T-G. GRCh37 (hg19) VCF-style: chr2-233635662-T-G.
Other names: c.171A>C, p.Leu57Phe (NM_001172417.1); c.532+9516T>G (NM_001103146.3, NM_015575.4, NM_001103148.2); c.533-5460T>G (NM_001103147.2); c.224+187A>C (NM_001172416.1); short protein forms L137F, L57F.
Identifiers: ClinVar variation 2198791 (VCV002198791.4), dbSNP rs1699220792, ClinGen allele CA351013182.

ClinVar aggregate classification (germline): Uncertain significance (1 of 4 stars; one submission).

Submission:

Labcorp Genetics (formerly Invitae), Labcorp
Classification: Uncertain significance. Last evaluated: 2022-06-08. Review status: criteria provided, single submitter. Criteria: Invitae Variant Classification Sherloc (09022015). Collection method: clinical testing. Allele origin: germline.
Comment: This sequence change replaces leucine, which is neutral and non-polar, with phenylalanine, which is neutral and non-polar, at codon 137 of the KCNJ13 protein (p.Leu137Phe). In summary, the available evidence is currently insufficient to determine the role of this variant in disease. Therefore, it has been classified as a Variant of Uncertain Significance. Algorithms developed to predict the effect of missense changes on protein structure and function are either unavailable or do not agree on the potential impact of this missense change (SIFT: "Deleterious"; PolyPhen-2: "Probably Damaging"; Align-GVGD: "Class C0"). This variant has not been reported in the literature in individuals affected with KCNJ13-related conditions. This variant is not present in population databases (gnomAD no frequency).